The following is an entry in ClinVar:

NM_003919.3(SGCE):c.686A>T (p.Asp229Val)

Genes: CASD1 (CAS1 domain sialic acid O acetyltransferase 1; plus strand), SGCE (sarcoglycan epsilon; minus strand). Cytogenetic location: 7q21.3.
Variant type: single nucleotide variant.
Coding change: c.686A>T on transcript NM_003919.3 (MANE Select); coding-DNA position 686, A replaced by T.
Protein change: p.Asp229Val; replaces aspartic acid 229 with valine.
Molecular consequence: missense variant.
Genome position (GRCh38, 1-based): chr7:94,603,429, T>A on the plus strand (A>T on the coding strand, the complement: SGCE is on the minus strand). VCF-style: chr7-94603429-T-A. GRCh37 (hg19) VCF-style: chr7-94232741-T-A.
Other names: c.686A>T, p.Asp229Val (NM_001099400.2, NM_001099401.2, NM_001346717.2); c.563A>T, p.Asp188Val (NM_001301139.2, NM_001362809.2); c.794A>T, p.Asp265Val (NM_001346713.2, NM_001346715.2); c.599A>T, p.Asp200Val (NM_001346719.2, NM_001362807.2); c.413A>T, p.Asp138Val (NM_001346720.2, NM_001362808.2); short protein forms D200V, D229V, D265V, D188V, D138V.
Identifiers: ClinVar variation 2195340 (VCV002195340.4), dbSNP rs1212534303, ClinGen allele CA368232430.

ClinVar aggregate classification (germline): Uncertain significance (1 of 4 stars; one submission).

Conditions:
Myoclonic dystonia 11 (DYT11). Also called: Myoclonic dystonia; Dystonia 11; Dystonia, alcohol responsive; Hereditary essential myoclonus; SGCE Myoclonus-Dystonia; Myoclonus-Dystonia. Identifiers: Orphanet 36899, MedGen C1834570, MONDO:0008044, OMIM 159900.

Allele frequency attached by ClinVar (database versions not stated): TOPMed 0.00001.

Submission:

Labcorp Genetics (formerly Invitae), Labcorp
Classification: Uncertain significance for Myoclonic dystonia 11. Last evaluated: 2025-10-17. Review status: criteria provided, single submitter. Criteria: Invitae Variant Classification Sherloc (09022015). Collection method: clinical testing. Allele origin: germline.
Comment: This sequence change replaces aspartic acid, which is acidic and polar, with valine, which is neutral and non-polar, at codon 229 of the SGCE protein (p.Asp229Val). This variant is not present in population databases (gnomAD no frequency). This variant has not been reported in the literature in individuals affected with SGCE-related conditions. ClinVar contains an entry for this variant (Variation ID: 2195340). Invitae Evidence Modeling of protein sequence and biophysical properties (such as structural, functional, and spatial information, amino acid conservation, physicochemical variation, residue mobility, and thermodynamic stability) indicates that this missense variant is not expected to disrupt SGCE protein function with a negative predictive value of 80%. In summary, the available evidence is currently insufficient to determine the role of this variant in disease. Therefore, it has been classified as a Variant of Uncertain Significance.